The following is an entry in ClinVar:

NM_000258.3(MYL3):c.106G>C (p.Glu36Gln)

Gene: MYL3 (myosin light chain 3; minus strand). Cytogenetic location: 3p21.31.
Variant type: single nucleotide variant.
Coding change: c.106G>C on transcript NM_000258.3 (MANE Select); coding-DNA position 106, G replaced by C.
Protein change: p.Glu36Gln; replaces glutamic acid 36 with glutamine.
Molecular consequence: missense variant.
Genome position (GRCh38, 1-based): chr3:46,863,285, C>G on the plus strand (G>C on the coding strand, the complement: MYL3 is on the minus strand). VCF-style: chr3-46863285-C-G. GRCh37 (hg19) VCF-style: chr3-46904775-C-G.
Other names: c.106G>C, p.Glu36Gln (NM_001406937.1, NM_001406938.1, NM_001406939.1); short protein forms E36Q.
Identifiers: ClinVar variation 4759042 (VCV004759042.1).

ClinVar aggregate classification (germline): Uncertain significance (1 of 4 stars; one submission).

Conditions:
Cardiomyopathy (CMYO). Also called: Cardiomyopathies. Identifiers: Orphanet 167848, MedGen C0878544, MONDO:0004994, HP:0001638. Inheritance: Various modes of inheritance.

Submission:

Color Diagnostics, LLC DBA Color Health
Classification: Uncertain significance for Cardiomyopathy. Last evaluated: 2025-07-25. Review status: criteria provided, single submitter. Criteria: ACMG Guidelines, 2015. Collection method: clinical testing. Allele origin: germline.
Comment: This missense variant replaces glutamic acid with glutamine at codon 36 of the MYL3 protein. Computational prediction suggests that this variant may not impact protein structure and function. To our knowledge, functional studies have not been reported for this variant. This variant has not been reported in individuals affected with MYL3-related disorders in the literature. This variant has not been identified in the general population by the Genome Aggregation Database (gnomAD). The available evidence is insufficient to determine the role of this variant in disease conclusively. Therefore, this variant is classified as a Variant of Uncertain Significance.